The following is an entry in ClinVar:

NM_013275.6(ANKRD11):c.7344C>G (p.Ile2448Met)

Gene: ANKRD11 (ankyrin repeat domain 11; minus strand). Cytogenetic location: 16q24.3.
Variant type: single nucleotide variant.
Coding change: c.7344C>G on transcript NM_013275.6 (MANE Select); coding-DNA position 7344, C replaced by G.
Protein change: p.Ile2448Met; replaces isoleucine 2448 with methionine.
Molecular consequence: missense variant.
Genome position (GRCh38, 1-based): chr16:89,279,198, G>C on the plus strand (C>G on the coding strand, the complement: ANKRD11 is on the minus strand). VCF-style: chr16-89279198-G-C. GRCh37 (hg19) VCF-style: chr16-89345606-G-C.
Other names: c.7344C>G, p.Ile2448Met (NM_001256182.2, NM_001256183.2); short protein forms I2448M.
Identifiers: ClinVar variation 4776865 (VCV004776865.1).

ClinVar aggregate classification (germline): Uncertain significance (1 of 4 stars; one submission).

Conditions:
KBG syndrome (KBGS). Also called: ANKRD11-Related KBG Syndrome. Identifiers: Orphanet 2332, MedGen C0220687, MONDO:0007846, OMIM 148050.

Submission:

Labcorp Genetics (formerly Invitae), Labcorp
Classification: Uncertain significance for KBG syndrome. Last evaluated: 2025-07-27. Review status: criteria provided, single submitter. Criteria: Invitae Variant Classification Sherloc (09022015). Collection method: clinical testing. Allele origin: germline.
Comment: This sequence change replaces isoleucine, which is neutral and non-polar, with methionine, which is neutral and non-polar, at codon 2448 of the ANKRD11 protein (p.Ile2448Met). This variant is not present in population databases (gnomAD no frequency). This variant has not been reported in the literature in individuals affected with ANKRD11-related conditions. Invitae Evidence Modeling of protein sequence and biophysical properties (such as structural, functional, and spatial information, amino acid conservation, physicochemical variation, residue mobility, and thermodynamic stability) indicates that this missense variant is not expected to disrupt ANKRD11 protein function with a negative predictive value of 80%. In summary, the available evidence is currently insufficient to determine the role of this variant in disease. Therefore, it has been classified as a Variant of Uncertain Significance.